The following is an entry in ClinVar:

NM_058246.4(DNAJB6):c.770T>A (p.Leu257His)

Gene: DNAJB6 (DnaJ heat shock protein family (Hsp40) member B6; plus strand). Cytogenetic location: 7q36.3.
Variant type: single nucleotide variant.
Coding change: c.770T>A on transcript NM_058246.4 (MANE Select); coding-DNA position 770, T replaced by A.
Protein change: p.Leu257His; replaces leucine 257 with histidine.
Molecular consequence: missense variant.
Genome position (GRCh38, 1-based): chr7:157,409,873, T>A. VCF-style: chr7-157409873-T-A. GRCh37 (hg19) VCF-style: chr7-157202567-T-A.
Other names: c.425T>A, p.Leu142His (NM_001363676.1); short protein forms L257H, L142H.
Identifiers: ClinVar variation 1515109 (VCV001515109.8), dbSNP rs1554470011, ClinGen allele CA370167298.

ClinVar aggregate classification (germline): Uncertain significance (1 of 4 stars; one submission).

Conditions:
Autosomal dominant limb-girdle muscular dystrophy type 1D (DNAJB6) (LGMDD1). Also called: MUSCULAR DYSTROPHY, LIMB-GIRDLE, TYPE 1D; MUSCULAR DYSTROPHY, AUTOSOMAL DOMINANT, WITH RIMMED VACUOLES; Autosomal dominant limb-girdle muscular dystrophy type 1D; Muscular dystrophy, limb-girdle, autosomal dominant 1. Identifiers: Orphanet 34516, MedGen C4721885, MONDO:0021018, OMIM 603511.

Submission:

Labcorp Genetics (formerly Invitae), Labcorp
Classification: Uncertain significance for Autosomal dominant limb-girdle muscular dystrophy type 1D (DNAJB6). Last evaluated: 2021-01-14. Review status: criteria provided, single submitter. Criteria: Invitae Variant Classification Sherloc (09022015). Collection method: clinical testing. Allele origin: germline.
Comment: The frequency data for this variant in the population databases is considered unreliable, as metrics indicate insufficient coverage at this position in the ExAC database. In summary, the available evidence is currently insufficient to determine the role of this variant in disease. Therefore, it has been classified as a Variant of Uncertain Significance. Algorithms developed to predict the effect of missense changes on protein structure and function are either unavailable or do not agree on the potential impact of this missense change (SIFT: "Deleterious"; PolyPhen-2: "Not Available"; Align-GVGD: "Class C0"). This variant has not been reported in the literature in individuals with DNAJB6-related conditions. This sequence change replaces leucine with histidine at codon 257 of the DNAJB6 protein (p.Leu257His). The leucine residue is weakly conserved and there is a moderate physicochemical difference between leucine and histidine.